The following is an entry in ClinVar:

NM_001206999.2(CIT):c.2209-6_2209-5del

Gene: CIT (citron rho-interacting serine/threonine kinase; minus strand). Cytogenetic location: 12q24.23.
Variant type: Microsatellite.
Coding change: c.2209-6_2209-5del on transcript NM_001206999.2 (MANE Select); 6 bases into the intron before coding-DNA position 2209 through 5 bases into the intron before coding-DNA position 2209, 2 bases deleted (GT; older notation c.2209-6_2209-5delGT).
Molecular consequence: intron variant.
Genome position (GRCh38, 1-based): chr12:119,767,187-119,767,188, AC deleted on the plus strand (GT on the coding strand, the reverse complement: CIT is on the minus strand); deleting any 2 consecutive bases within chr12:119,767,187-119,767,191 gives the same sequence; the c. name uses the placement nearest the transcript's 3' end. VCF-style (leftmost placement, unchanged base first): chr12-119767186-GAC-G. GRCh37 (hg19) VCF-style: chr12-120204990-GAC-G.
Other names: c.2083-6_2083-5del (NM_007174.3).
Identifiers: ClinVar variation 3042200 (VCV003042200.2), dbSNP rs765245518, ClinGen allele CA6821833.

ClinVar aggregate classification (germline): Likely benign (0 of 4 stars; one submission).

Conditions:
CIT-related disorder. Also called: CIT-related condition.

Submission:

PreventionGenetics, part of Exact Sciences
Classification: Likely benign for CIT-related condition. Last evaluated: 2019-05-13. Review status: no assertion criteria provided. Collection method: clinical testing. Allele origin: germline.
Comment: This variant is classified as likely benign based on ACMG/AMP sequence variant interpretation guidelines (Richards et al. 2015 PMID: 25741868, with internal and published modifications).